The following is an entry in ClinVar:

NM_002109.6(HARS1):c.643C>T (p.Arg215Cys)

Gene: HARS1 (histidyl-tRNA synthetase 1; minus strand). Cytogenetic location: 5q31.3.
Variant type: single nucleotide variant.
Coding change: c.643C>T on transcript NM_002109.6 (MANE Select); coding-DNA position 643, C replaced by T.
Protein change: p.Arg215Cys; replaces arginine 215 with cysteine.
Molecular consequence: missense variant.
Genome position (GRCh38, 1-based): chr5:140,677,741, G>A on the plus strand (C>T on the coding strand, the complement: HARS1 is on the minus strand). VCF-style: chr5-140677741-G-A. GRCh37 (hg19) VCF-style: chr5-140057326-G-A.
Other names: c.523C>T, p.Arg175Cys (NM_001258040.3); c.583C>T, p.Arg195Cys (NM_001258041.3); c.463C>T, p.Arg155Cys (NM_001258042.3); c.421C>T, p.Arg141Cys (NM_001289092.2); c.301C>T, p.Arg101Cys (NM_001289093.2); c.556C>T, p.Arg186Cys (NM_001289094.2); c.643C>T (NM_002109.5); short protein forms R101C, R175C, R155C, R195C, R141C, R186C, R215C.
Identifiers: ClinVar variation 2492904 (VCV002492904.8), dbSNP rs766298530, ClinGen allele CA361255152.

ClinVar aggregate classification (germline): Uncertain significance. Review status: criteria provided, multiple submitters, no conflicts (2 of 4 stars). 3 submissions from 3 submitters: Uncertain significance (3). Last evaluated 2025-10-29.

Conditions:
Usher syndrome type 3B. Also called: USHER SYNDROME, TYPE IIIB. Identifiers: MedGen C3281066, MONDO:0013788, OMIM 614504.

Allele frequency attached by ClinVar (database versions not stated): gnomAD 0.00001.

Submissions (3):

Ambry Genetics
Classification: Uncertain significance. Last evaluated: 2025-10-29. Review status: criteria provided, single submitter. Criteria: Ambry Variant Classification Scheme 2023. Collection method: clinical testing. Allele origin: germline.
Comment: The c.643C>T (p.R215C) alteration is located in exon 7 (coding exon 7) of the HARS gene. This alteration results from a C to T substitution at nucleotide position 643, causing the arginine (R) at amino acid position 215 to be replaced by a cysteine (C). Based on data from gnomAD, the T allele has an overall frequency of 0.001% (2/282500) total alleles studied. The highest observed frequency was 0.005% (1/19890) of East Asian alleles. This amino acid position is highly conserved in available vertebrate species. The in silico prediction for this alteration is inconclusive. Based on insufficient or conflicting evidence, the clinical significance of this alteration remains unclear.

Labcorp Genetics (formerly Invitae), Labcorp
Classification: Uncertain significance for Usher syndrome type 3B. Last evaluated: 2025-08-28. Review status: criteria provided, single submitter. Criteria: Invitae Variant Classification Sherloc (09022015). Collection method: clinical testing. Allele origin: germline.
Comment: This sequence change replaces arginine, which is basic and polar, with cysteine, which is neutral and slightly polar, at codon 215 of the HARS protein (p.Arg215Cys). The frequency data for this variant in the population databases is considered unreliable, as metrics indicate poor data quality at this position in the gnomAD database. This variant has not been reported in the literature in individuals affected with HARS-related conditions. ClinVar contains an entry for this variant (Variation ID: 2492904). Invitae Evidence Modeling of protein sequence and biophysical properties (such as structural, functional, and spatial information, amino acid conservation, physicochemical variation, residue mobility, and thermodynamic stability) indicates that this missense variant is not expected to disrupt HARS protein function with a negative predictive value of 80%. In summary, the available evidence is currently insufficient to determine the role of this variant in disease. Therefore, it has been classified as a Variant of Uncertain Significance.

GeneDx
Classification: Uncertain significance. Last evaluated: 2025-06-12. Review status: criteria provided, single submitter. Criteria: GeneDx Variant Classification Process June 2021. Collection method: clinical testing. Allele origin: germline. Affected: yes.
Comment: Not observed at significant frequency in large population cohorts (gnomAD); In silico analysis supports that this missense variant has a deleterious effect on protein structure/function; Has not been previously published as pathogenic or benign to our knowledge